The following is an entry in ClinVar:

NM_001148.6(ANK2):c.7604C>T (p.Pro2535Leu)

Genes: ANK2 (ankyrin 2; plus strand), LOC126807137 (CDK7 strongly-dependent group 2 enhancer GRCh37_chr4:114276560-114277759; plus strand). Cytogenetic location: 4q26.
Variant type: single nucleotide variant.
Coding change: c.7604C>T on transcript NM_001148.6 (MANE Select); coding-DNA position 7604, C replaced by T.
Protein change: p.Pro2535Leu; replaces proline 2535 with leucine.
Molecular consequence: missense variant. On other transcripts: intron variant (68).
Genome position (GRCh38, 1-based): chr4:113,356,222, C>T. VCF-style: chr4-113356222-C-T. GRCh37 (hg19) VCF-style: chr4-114277378-C-T.
Other names: c.7370C>T, p.Pro2457Leu (NM_001386142.1); c.4004C>T, p.Pro1335Leu (NM_001386166.1); c.7745C>T, p.Pro2582Leu (NM_001386174.1); c.7721C>T, p.Pro2574Leu (NM_001386175.1); c.4412-4601C>T (NM_001386186.2, NM_001386148.2); c.4214-4601C>T (NM_001354269.3); c.4292-4601C>T (NM_001386187.2); c.4253-4601C>T (NM_001386147.1); and 35 more; short protein forms P2535L, P1335L, P2457L, P2574L, P2582L.
Identifiers: ClinVar variation 962365 (VCV000962365.7), dbSNP rs2095761353, ClinGen allele CA357931016.
Genomic context (GRCh38, chr4:113,356,222, plus strand): 5'-GCAGTGCTGAGGATGACAGTCTTGAGCAGACATCGCTCATGGAGAGCTCAGGGAAGAGCC[C>T]CCTTTCTCCTGACACCCCCAGCTCTGAAGAAGTCAGCTATGAGGTTACACCCAAAACCAC-3'
Protein context (NP_001139.3, residues 2525-2545): TSLMESSGKS[Pro2535Leu]LSPDTPSSEE

ClinVar aggregate classification (germline): Uncertain significance (1 of 4 stars; one submission).

Conditions:
Long QT syndrome (LQTS). Identifiers: MedGen C0023976, MeSH D008133, MONDO:0002442. Disease mechanism: loss of function. Inheritance: Various modes of inheritance.

Submission:

Labcorp Genetics (formerly Invitae), Labcorp
Classification: Uncertain significance for Long QT syndrome. Last evaluated: 2019-10-31. Review status: criteria provided, single submitter. Criteria: Invitae Variant Classification Sherloc (09022015). Collection method: clinical testing. Allele origin: germline.
Comment: This sequence change replaces proline with leucine at codon 2535 of the ANK2 protein (p.Pro2535Leu). The proline residue is moderately conserved and there is a moderate physicochemical difference between proline and leucine. This variant is not present in population databases (ExAC no frequency). In summary, the available evidence is currently insufficient to determine the role of this variant in disease. Therefore, it has been classified as a Variant of Uncertain Significance. Algorithms developed to predict the effect of missense changes on protein structure and function are either unavailable or do not agree on the potential impact of this missense change (SIFT: "Tolerated"; PolyPhen-2: "Probably Damaging"; Align-GVGD: "Class C0"). This variant has not been reported in the literature in individuals with ANK2-related conditions.